The following is an entry in ClinVar:

ClinVar aggregate classification (germline): Uncertain significance (1 of 4 stars; one submission).

Conditions:
Neu-Laxova syndrome 2. Identifiers: Orphanet 2671, Orphanet 583602, MedGen C4015019, MONDO:0014466, OMIM 616038.

Allele frequency attached by ClinVar (database versions not stated): gnomAD exomes below 0.00001; gnomAD 0.00001.
gnomAD v4.1: 5 of 1,612,398 alleles (0.00031%); highest among the groups gnomAD compares: African/African-American, 0.0013%; no homozygotes.

Submission:

Labcorp Genetics (formerly Invitae), Labcorp
Classification: Uncertain significance for Neu-Laxova syndrome 2. Last evaluated: 2022-01-14. Review status: criteria provided, single submitter. Criteria: Invitae Variant Classification Sherloc (09022015). Collection method: clinical testing. Allele origin: germline.
Comment: In summary, the available evidence is currently insufficient to determine the role of this variant in disease. Therefore, it has been classified as a Variant of Uncertain Significance. Algorithms developed to predict the effect of missense changes on protein structure and function (SIFT, PolyPhen-2, Align-GVGD) all suggest that this variant is likely to be disruptive. This variant has not been reported in the literature in individuals affected with PSAT1-related conditions. This variant is not present in population databases (gnomAD no frequency). This sequence change replaces tyrosine, which is neutral and polar, with serine, which is neutral and polar, at codon 289 of the PSAT1 protein (p.Tyr289Ser).

NM_058179.4(PSAT1):c.866A>C (p.Tyr289Ser)

Gene: PSAT1 (phosphoserine aminotransferase 1; plus strand). Cytogenetic location: 9q21.2.
Variant type: single nucleotide variant.
Coding change: c.866A>C on transcript NM_058179.4 (MANE Select); coding-DNA position 866, A replaced by C.
Protein change: p.Tyr289Ser; replaces tyrosine 289 with serine.
Molecular consequence: missense variant.
Genome position (GRCh38, 1-based): chr9:78,317,801, A>C. VCF-style: chr9-78317801-A-C. GRCh37 (hg19) VCF-style: chr9-80932717-A-C.
Other names: c.866A>C, p.Tyr289Ser (NM_021154.5); short protein forms Y289S.
Identifiers: ClinVar variation 1390871 (VCV001390871.8), dbSNP rs1828370991, ClinGen allele CA373857668.